The following is an entry in ClinVar:

ClinVar aggregate classification (germline): Benign/Likely benign. Review status: criteria provided, multiple submitters, no conflicts (2 of 4 stars). 6 submissions from 6 submitters: Benign (2); Likely benign (4). Last evaluated 2026-02-03.

Conditions:
Cardiovascular phenotype. Identifiers: MedGen CN230736.
Brugada syndrome 8 (BRGDA8). Identifiers: Orphanet 130, MedGen C2751083, MONDO:0013148, OMIM 613123.

Allele frequency attached by ClinVar (database versions not stated): gnomAD exomes 0.00014 and 0.00038; 1000 Genomes Project 30x 0.00047; ExAC 0.00051; 1000 Genomes Project 0.00060; gnomAD 0.00149 and 0.00166; ESP Exome Variant Server 0.00185; TOPMed 0.00197.

Submissions (6):

Labcorp Genetics (formerly Invitae), Labcorp
Classification: Benign for Brugada syndrome 8. Last evaluated: 2026-02-03. Review status: criteria provided, single submitter. Criteria: Invitae Variant Classification Sherloc (09022015). Collection method: clinical testing. Allele origin: germline.

Molecular Diagnostic Laboratory for Inherited Cardiovascular Disease, Montreal Heart Institute
Classification: Likely benign. Last evaluated: 2025-07-24. Review status: criteria provided, single submitter. Criteria: ACMG Guidelines, 2015. Collection method: clinical testing. Allele origin: germline. Affected: no.
Comment: BS1, BP4

Blueprint Genetics
Classification: Likely benign. Last evaluated: 2023-10-04. Review status: criteria provided, single submitter. Criteria: ACMG Guidelines, 2015. Collection method: clinical testing. Allele origin: germline.

GeneDx
Classification: Likely benign. Last evaluated: 2020-10-02. Review status: criteria provided, single submitter. Criteria: GeneDx Variant Classification Process June 2021. Collection method: clinical testing. Allele origin: germline. Affected: yes.

Ambry Genetics
Classification: Likely benign for Cardiovascular phenotype. Last evaluated: 2018-08-02. Review status: criteria provided, single submitter. Criteria: Ambry Variant Classification Scheme 2023. Collection method: clinical testing. Allele origin: germline.

Eurofins Ntd Llc (ga)
Classification: Benign. Last evaluated: 2016-04-19. Review status: criteria provided, single submitter. Criteria: EGL Classification Definitions 2015. Collection method: clinical testing. Allele origin: germline. Observed: 2 variant alleles, 2 heterozygotes.

NM_005477.3(HCN4):c.1978+3G>T

Gene: HCN4 (hyperpolarization activated cyclic nucleotide gated potassium channel 4; minus strand). Cytogenetic location: 15q24.1.
Variant type: single nucleotide variant.
Coding change: c.1978+3G>T on transcript NM_005477.3 (MANE Select); 3 bases into the intron after coding-DNA position 1978, G replaced by T.
Molecular consequence: intron variant.
Genome position (GRCh38, 1-based): chr15:73,324,952, C>A on the plus strand (G>T on the coding strand, the complement: HCN4 is on the minus strand). VCF-style: chr15-73324952-C-A. GRCh37 (hg19) VCF-style: chr15-73617293-C-A.
Identifiers: ClinVar variation 287063 (VCV000287063.22), dbSNP rs113112855, ClinGen allele CA7649158.